The following is an entry in ClinVar:

NM_005585.5(SMAD6):c.40T>C (p.Trp14Arg)

Gene: SMAD6 (SMAD family member 6; plus strand). Cytogenetic location: 15q22.31.
Variant type: single nucleotide variant.
Coding change: c.40T>C on transcript NM_005585.5 (MANE Select); coding-DNA position 40, T replaced by C.
Protein change: p.Trp14Arg; replaces tryptophan 14 with arginine.
Molecular consequence: missense variant. On other transcripts: non-coding transcript variant (1).
Genome position (GRCh38, 1-based): chr15:66,703,298, T>C. VCF-style: chr15-66703298-T-C. GRCh37 (hg19) VCF-style: chr15-66995636-T-C.
Other names: short protein forms W14R.
Identifiers: ClinVar variation 3343869 (VCV003343869.6).

ClinVar aggregate classification (germline): Conflicting classifications of pathogenicity. Review status: criteria provided, conflicting classifications (1 of 4 stars). 5 submissions from 5 submitters: Likely pathogenic (2); Uncertain significance (2). 1 of the submissions does not count toward it. Last evaluated 2026-05-27.

Conditions:
Aortic valve disease 2 (AOVD2). Identifiers: MedGen C3542024, MONDO:0013902, OMIM 614823.
SMAD6-related disease. Also called: SMAD6-related disorder; SMAD6-related condition. Identifiers: MedGen CN381596, MONDO:0700324.
Craniosynostosis 7 (CRS7). Also called: CRANIOSYNOSTOSIS 7, DIGENIC; CRS7, DIGENIC. Identifiers: MedGen C4479496, MONDO:0044315, OMIM 617439.

gnomAD v4.1: 10 of 1,491,660 alleles (0.00067%); highest among the groups gnomAD compares: Admixed American, 0.0023%; no homozygotes.

Submissions (5):

GeneDx
Classification: Likely pathogenic. Last evaluated: 2026-05-27. Review status: criteria provided, single submitter. Criteria: GeneDx Variant Classification Process June 2021. Collection method: clinical testing. Allele origin: germline.
Comment: Not observed at significant frequency in large population cohorts (gnomAD); In silico analysis supports that this missense variant has a deleterious effect on protein structure/function; This variant is associated with the following publications: (PMID: 32499606, 34429528)

Institute of Human Genetics, University of Leipzig Medical Center
Classification: Likely pathogenic for Craniosynostosis 7. Last evaluated: 2025-11-26. Review status: criteria provided, single submitter. Criteria: ACMG Guidelines, 2015. Collection method: clinical testing. Allele origin: unknown. Inheritance: Autosomal dominant inheritance. Affected: yes.
Comment: Criteria applied: PP3,PS1_MOD,PS2_MOD,PS4_MOD

Labcorp Genetics (formerly Invitae), Labcorp
Classification: Uncertain significance for Aortic valve disease 2. Last evaluated: 2025-03-24. Review status: criteria provided, single submitter. Criteria: Invitae Variant Classification Sherloc (09022015). Collection method: clinical testing. Allele origin: germline.
Comment: This sequence change replaces tryptophan, which is neutral and slightly polar, with arginine, which is basic and polar, at codon 14 of the SMAD6 protein (p.Trp14Arg). This variant is not present in population databases (gnomAD no frequency). This missense change has been observed in individual(s) with craniosynostosis (PMID: 32499606, 34429528). ClinVar contains an entry for this variant (Variation ID: 3343869). An algorithm developed to predict the effect of missense changes on protein structure and function (PolyPhen-2) suggests that this variant is likely to be disruptive. In summary, the available evidence is currently insufficient to determine the role of this variant in disease. Therefore, it has been classified as a Variant of Uncertain Significance.

Clinical Genomics Laboratory, Washington University in St. Louis
Classification: Uncertain significance for Aortic valve disease 2. Last evaluated: 2024-12-21. Review status: criteria provided, single submitter. Criteria: ACMG Guidelines, 2015. Collection method: clinical testing. Allele origin: germline.
Comment: The SMAD6 c.40T>C (p.Trp14Arg) variant has been reported as occurring de novo in at least one individual affected with craniosynostosis (Hyder Z et al., PMID: 34429528). This variant has been reported in the ClinVar database as a germline variant of uncertain significance by one submitter and a likely pathogenic variant by one submitter. This variant is only observed on 10/1,491,660 alleles in the general population (gnomAD v.4.1.0), indicating it is not a common variant. Computational predictors indicate that the variant is damaging, evidence that correlates with impact to SMAD6 function. However, this region of the SMAD6 protein does not have a known function. One study in transfected cells indicated that this variant results in reduced total SMAD6 protein and decreased SMAD6 function (Calpena E et al., PMID: 32499606). However, due to limited information, and based on ACMG/AMP guidelines for variant interpretation (Richards S et al., PMID: 25741868), the clinical significance of this variant is uncertain at this time.

PreventionGenetics, part of Exact Sciences
Classification: Uncertain significance for SMAD6-related condition. Last evaluated: 2024-03-07. Review status: no assertion criteria provided. Collection method: clinical testing. Allele origin: germline. Not counted in ClinVar's aggregate classification.
Comment: The SMAD6 c.40T>C variant is predicted to result in the amino acid substitution p.Trp14Arg. This variant has been reported to be de novo in an individual with craniosynostosis (Calpena et al. 2020. PubMed ID: 32499606; Hyder et al. 2021. PubMed ID: 34429528). Functional studies found this variant results in lower protein levels and reduced SMAD6 transactivation activity (Calpena et al. 2020. PubMed ID: 32499606). This variant is reported in 0.0057% of alleles in individuals of Latino descent in gnomAD. At this time, the clinical significance of this variant is uncertain due to the absence of conclusive functional and genetic evidence.

Literature cited by the submitters: PubMed 32499606 (cited by Labcorp Genetics (formerly Invitae), Labcorp); PubMed 34429528 (cited by Labcorp Genetics (formerly Invitae), Labcorp).